The following is an entry in ClinVar:

NM_002334.4(LRP4):c.3581G>A (p.Arg1194Gln)

Gene: LRP4 (LDL receptor related protein 4; minus strand). Cytogenetic location: 11p11.2.
Variant type: single nucleotide variant.
Coding change: c.3581G>A on transcript NM_002334.4 (MANE Select); coding-DNA position 3581, G replaced by A.
Protein change: p.Arg1194Gln; replaces arginine 1194 with glutamine.
Molecular consequence: missense variant.
Genome position (GRCh38, 1-based): chr11:46,875,922, C>T on the plus strand (G>A on the coding strand, the complement: LRP4 is on the minus strand). VCF-style: chr11-46875922-C-T. GRCh37 (hg19) VCF-style: chr11-46897473-C-T.
Other names: short protein forms R1194Q.
Identifiers: ClinVar variation 575815 (VCV000575815.26), dbSNP rs369916883, ClinGen allele CA5969541.

ClinVar aggregate classification (germline): Uncertain significance. Review status: criteria provided, multiple submitters, no conflicts (2 of 4 stars). 3 submissions from 3 submitters: Uncertain significance (3). Last evaluated 2024-04-01.

Conditions:
Cenani-Lenz syndactyly syndrome. Also called: SYNDACTYLY, TYPE VII; CENANI SYNDACTYLISM. Identifiers: Orphanet 3258, MedGen C1859309, MONDO:0008931, OMIM 212780.
Sclerosteosis 2 (SOST2). Identifiers: Orphanet 3152, MedGen C3280402, MONDO:0013679, OMIM 614305.
Congenital myasthenic syndrome 17. Identifiers: Orphanet 590, MedGen C4225377, MONDO:0014578, OMIM 616304.

Allele frequency attached by ClinVar (database versions not stated): gnomAD exomes 0.00001; ExAC 0.00002; TOPMed 0.00003; gnomAD 0.00004; ESP Exome Variant Server 0.00008.
gnomAD v4.1: 12 of 1,613,954 alleles (0.00074%); highest among the groups gnomAD compares: African/African-American, 0.011%; no homozygotes.

Submissions (3):

CeGaT Center for Human Genetics Tuebingen
Classification: Uncertain significance. Last evaluated: 2024-04-01. Review status: criteria provided, single submitter. Criteria: CeGaT Center For Human Genetics Tuebingen Variant Classification Criteria Version 2. Collection method: clinical testing. Allele origin: germline. Affected: yes. Observed: 1 variant allele.

Fulgent Genetics
Classification: Uncertain significance for Cenani-Lenz syndactyly syndrome; Sclerosteosis 2; Congenital myasthenic syndrome 17. Last evaluated: 2021-10-15. Review status: criteria provided, single submitter. Criteria: ACMG Guidelines, 2015. Collection method: clinical testing. Allele origin: unknown.

Labcorp Genetics (formerly Invitae), Labcorp
Classification: Uncertain significance for Cenani-Lenz syndactyly syndrome; Sclerosteosis 2; Congenital myasthenic syndrome 17. Last evaluated: 2021-08-28. Review status: criteria provided, single submitter. Criteria: Invitae Variant Classification Sherloc (09022015). Collection method: clinical testing. Allele origin: germline.
Comment: This sequence change replaces arginine with glutamine at codon 1194 of the LRP4 protein (p.Arg1194Gln). The arginine residue is highly conserved and there is a small physicochemical difference between arginine and glutamine. This variant is present in population databases (rs369916883, ExAC 0.01%). This variant has not been reported in the literature in individuals affected with LRP4-related conditions. Algorithms developed to predict the effect of missense changes on protein structure and function are either unavailable or do not agree on the potential impact of this missense change (SIFT: "Deleterious"; PolyPhen-2: "Benign"; Align-GVGD: "Class C35"). In summary, the available evidence is currently insufficient to determine the role of this variant in disease. Therefore, it has been classified as a Variant of Uncertain Significance.